The following is an entry in ClinVar:

NM_001079855.2(GYG2):c.1162G>A (p.Glu388Lys)

Gene: GYG2 (glycogenin 2; plus strand). Cytogenetic location: Xp22.33.
Variant type: single nucleotide variant.
Coding change: c.1162G>A on transcript NM_001079855.2 (MANE Select); coding-DNA position 1162, G replaced by A.
Protein change: p.Glu388Lys; replaces glutamic acid 388 with lysine.
Molecular consequence: missense variant. On other transcripts: intron variant (2).
Genome position (GRCh38, 1-based): chrX:2,877,218, G>A. VCF-style: chrX-2877218-G-A. GRCh37 (hg19) VCF-style: chrX-2795259-G-A.
Other names: c.1159G>A, p.Glu387Lys (NM_001184702.2); c.1255G>A, p.Glu419Lys (NM_003918.3); c.1132-3834G>A (NM_001184703.2); c.574-3834G>A (NM_001184704.2); short protein forms E388K, E419K, E387K.
Identifiers: ClinVar variation 3103364 (VCV003103364.4), dbSNP rs776259532, ClinGen allele CA10337285.

ClinVar aggregate classification (germline): Uncertain significance. Review status: criteria provided, multiple submitters, no conflicts (2 of 4 stars). 2 submissions from 2 submitters: Uncertain significance (2). Last evaluated 2026-07-20.

gnomAD v4.1: 54 of 1,208,066 alleles (0.0045%); highest among the groups gnomAD compares: South Asian, 0.007%; no homozygotes.

Submissions (2):

Ambry Genetics
Classification: Uncertain significance. Last evaluated: 2026-07-20. Review status: criteria provided, single submitter. Criteria: Ambry Variant Classification Scheme 2023. Collection method: clinical testing. Allele origin: germline.

Labcorp Genetics (formerly Invitae), Labcorp
Classification: Uncertain significance. Last evaluated: 2024-10-19. Review status: criteria provided, single submitter. Criteria: Invitae Variant Classification Sherloc (09022015). Collection method: clinical testing. Allele origin: germline.
Comment: This sequence change replaces glutamic acid, which is acidic and polar, with lysine, which is basic and polar, at codon 419 of the GYG2 protein (p.Glu419Lys). The frequency data for this variant in the population databases is considered unreliable, as metrics indicate poor data quality at this position in the gnomAD database. This variant has not been reported in the literature in individuals affected with GYG2-related conditions. An algorithm developed to predict the effect of missense changes on protein structure and function (PolyPhen-2) suggests that this variant is likely to be tolerated. In summary, the available evidence is currently insufficient to determine the role of this variant in disease. Therefore, it has been classified as a Variant of Uncertain Significance.